The following is an entry in ClinVar:

NM_007294.4(BRCA1):c.5503_5564del (p.Arg1835fs)

Gene: BRCA1 (BRCA1 DNA repair associated; minus strand). Cytogenetic location: 17q21.31.
Variant type: Deletion.
Coding change: c.5503_5564del on transcript NM_007294.4 (MANE Select); coding-DNA positions 5503 to 5564, 62 bases deleted.
Protein change: p.Arg1835fs; shifts the reading frame from arginine 1835.
Molecular consequence: frameshift variant. On other transcripts: 3 prime UTR variant (1), non-coding transcript variant (1).
Genome position (GRCh38, 1-based): chr17:43,045,706-43,045,767, 62 bases deleted. GRCh37 (hg19): chr17:41,197,723-41,197,784.
Other names: 5622del62; 5622_5684del62; c.2113_2174del62, p.Arg705Thrfs (NM_001408412.1, NM_001408413.1, NM_001408414.1 and 2 more transcripts); c.2077_2138del62, p.Arg693Thrfs (NM_001408418.1, NM_001408419.1, NM_001408420.1); c.2074_2135del62, p.Arg692Thrfs (NM_001408421.1, NM_001408422.1, NM_001408423.1 and 1 more transcripts); c.2071_2132del62, p.Arg691Thrfs (NM_001408425.1, NM_001408426.1, NM_001408427.1 and 4 more transcripts); c.2068_2129del62, p.Arg690Thrfs (NM_001408432.1, NM_001408433.1, NM_001408434.1 and 10 more transcripts); c.2065_2126del62, p.Arg689Thrfs (NM_001408445.1, NM_001408446.1, NM_001408447.1 and 2 more transcripts); and 79 more; short protein forms R1856fs, R1835fs, R731fs, R1788fs.
Identifiers: ClinVar variation 55602 (VCV000055602.4), dbSNP rs80359883, ClinGen allele CA003672.

ClinVar aggregate classification (germline): Pathogenic. Review status: reviewed by expert panel (3 of 4 stars). 3 submissions from 3 submitters: Pathogenic (1). 2 of the submissions do not count toward it. Last evaluated 2016-04-22.

Conditions:
Breast-ovarian cancer, familial, susceptibility to, 1 (BROVCA1). Also called: BRCA1 Hereditary Breast and Ovarian Cancer; OVARIAN CANCER, SUSCEPTIBILITY TO. Identifiers: Orphanet 145, MedGen C2676676, MONDO:0011450, OMIM 604370. Disease mechanism: loss of function.

Submissions (3):

Evidence-based Network for the Interpretation of Germline Mutant Alleles (ENIGMA)
Classification: Pathogenic for Breast-ovarian cancer, familial, susceptibility to, 1. Last evaluated: 2016-04-22. Review status: reviewed by expert panel. Criteria: ENIGMA BRCA1/2 Classification Criteria (2015). Collection method: curation. Allele origin: germline.
Comment: Variant allele predicted to encode a truncated non-functional protein.

Consortium of Investigators of Modifiers of BRCA1/2 (CIMBA), c/o University of Cambridge
Classification: Pathogenic for Breast-ovarian cancer, familial, susceptibility to, 1. Last evaluated: 2015-10-02. Review status: criteria provided, single submitter. Criteria: CIMBA Mutation Classification guidelines May 2016. Collection method: clinical testing. Allele origin: germline. Not counted in ClinVar's aggregate classification.

Breast Cancer Information Core (BIC) (BRCA1)
Classification: Pathogenic for Breast-ovarian cancer, familial 1. Last evaluated: 1998-06-22. Review status: no assertion criteria provided. Collection method: clinical testing. Allele origin: germline. Affected: yes. Observed: 2 variant alleles. Not counted in ClinVar's aggregate classification.